The following is an entry in ClinVar:

NM_000081.4(LYST):c.8947+6A>C

Gene: LYST (lysosomal trafficking regulator; minus strand). Cytogenetic location: 1q42.3.
Variant type: single nucleotide variant.
Coding change: c.8947+6A>C on transcript NM_000081.4 (MANE Select); 6 bases into the intron after coding-DNA position 8947, A replaced by C.
Molecular consequence: intron variant.
Genome position (GRCh38, 1-based): chr1:235,731,026, T>G on the plus strand (A>C on the coding strand, the complement: LYST is on the minus strand). VCF-style: chr1-235731026-T-G. GRCh37 (hg19) VCF-style: chr1-235894326-T-G.
Other names: c.8947+6A>C (NM_001301365.1).
Identifiers: ClinVar variation 2124868 (VCV002124868.4), dbSNP rs1664333773, ClinGen allele CA2580062308.

ClinVar aggregate classification (germline): Uncertain significance (1 of 4 stars; one submission).

Conditions:
Chédiak-Higashi syndrome (CHS). Also called: Chediak-Higashi Syndrome. Identifiers: Orphanet 167, MedGen C0007965, MONDO:0008963, OMIM 214500.

Submission:

Labcorp Genetics (formerly Invitae), Labcorp
Classification: Uncertain significance for Chédiak-Higashi syndrome. Last evaluated: 2022-04-11. Review status: criteria provided, single submitter. Criteria: Invitae Variant Classification Sherloc (09022015). Collection method: clinical testing. Allele origin: germline.
Comment: In summary, the available evidence is currently insufficient to determine the role of this variant in disease. Therefore, it has been classified as a Variant of Uncertain Significance. Variants that disrupt the consensus splice site are a relatively common cause of aberrant splicing (PMID: 17576681, 9536098). Algorithms developed to predict the effect of sequence changes on RNA splicing suggest that this variant is not likely to affect RNA splicing. This variant has not been reported in the literature in individuals affected with LYST-related conditions. This variant is not present in population databases (gnomAD no frequency). This sequence change falls in intron 35 of the LYST gene. It does not directly change the encoded amino acid sequence of the LYST protein. It affects a nucleotide within the consensus splice site.

Literature cited by the submitters: PubMed 17576681; PubMed 9536098.